The following is an entry in ClinVar:

NM_015047.3(EMC1):c.855C>T (p.Asp285=)

Genes: EMC1 (ER membrane protein complex subunit 1; minus strand), EMC1-AS1 (EMC1 antisense RNA 1; plus strand). Cytogenetic location: 1p36.13.
Variant type: single nucleotide variant.
Coding change: c.855C>T on transcript NM_015047.3 (MANE Select); coding-DNA position 855, C replaced by T.
Protein change: p.Asp285=; no amino-acid change (aspartic acid 285 retained).
Molecular consequence: synonymous variant.
Genome position (GRCh38, 1-based): chr1:19,239,917, G>A on the plus strand (C>T on the coding strand, the complement: EMC1 is on the minus strand). VCF-style: chr1-19239917-G-A. GRCh37 (hg19) VCF-style: chr1-19566411-G-A.
Other names: c.855C>T (NM_015047.2); c.855C>T, p.Asp285= (NM_001271427.2, NM_001271428.2, NM_001375820.1 and 1 more transcripts); c.789C>T, p.Asp263= (NM_001271429.2).
Identifiers: ClinVar variation 1534559 (VCV001534559.12), dbSNP rs752777483, ClinGen allele CA652771.

ClinVar aggregate classification (germline): Conflicting classifications of pathogenicity. Review status: criteria provided, conflicting classifications (1 of 4 stars). 4 submissions from 4 submitters: Uncertain significance (1); Likely benign (2). 1 of the submissions does not count toward it. Last evaluated 2025-08-04.

Conditions:
EMC1-related disorder. Also called: EMC1-related condition.
Retinal dystrophy. Also called: Inherited retinal dystrophy. Identifiers: Orphanet 71862, MedGen C0854723, MeSH D058499, MONDO:0019118, HP:0000556.

Allele frequency attached by ClinVar (database versions not stated): gnomAD 0.00001 and 0.00002; gnomAD exomes 0.00004; ExAC 0.00007.
gnomAD v4.1: 56 of 1,614,012 alleles (0.0035%); highest among the groups gnomAD compares: East Asian, 0.016%; no homozygotes.

Submissions (4):

Labcorp Genetics (formerly Invitae), Labcorp
Classification: Likely benign. Last evaluated: 2025-08-04. Review status: criteria provided, single submitter. Criteria: Invitae Variant Classification Sherloc (09022015). Collection method: clinical testing. Allele origin: germline.

Blueprint Genetics
Classification: Likely benign. Last evaluated: 2024-08-16. Review status: criteria provided, single submitter. Criteria: ACMG Guidelines, 2015. Collection method: clinical testing. Allele origin: germline.

Dept Of Ophthalmology, Nagoya University
Classification: Uncertain significance for Retinal dystrophy. Last evaluated: 2023-10-01. Review status: criteria provided, single submitter. Criteria: Submitter's publication. Collection method: research. Allele origin: germline. Affected: yes.

PreventionGenetics, part of Exact Sciences
Classification: Likely benign for EMC1-related condition. Last evaluated: 2019-10-14. Review status: no assertion criteria provided. Collection method: clinical testing. Allele origin: germline. Not counted in ClinVar's aggregate classification.
Comment: This variant is classified as likely benign based on ACMG/AMP sequence variant interpretation guidelines (Richards et al. 2015 PMID: 25741868, with internal and published modifications).